The following is an entry in ClinVar:

NM_030780.5(SLC25A32):c.812+10C>A

Gene: SLC25A32 (solute carrier family 25 member 32; minus strand). Cytogenetic location: 8q22.3.
Variant type: single nucleotide variant.
Coding change: c.812+10C>A on transcript NM_030780.5 (MANE Select); 10 bases into the intron after coding-DNA position 812, C replaced by A.
Molecular consequence: intron variant.
Genome position (GRCh38, 1-based): chr8:103,401,506, G>T on the plus strand (C>A on the coding strand, the complement: SLC25A32 is on the minus strand). VCF-style: chr8-103401506-G-T. GRCh37 (hg19) VCF-style: chr8-104413734-G-T.
Other names: p.?; c.812+10C>A (NM_030780.4).
Identifiers: ClinVar variation 1248189 (VCV001248189.14), dbSNP rs115968673, ClinGen allele CA4835366.

ClinVar aggregate classification (germline): Benign. Review status: criteria provided, multiple submitters, no conflicts (2 of 4 stars). 5 submissions from 5 submitters: Benign (4). 1 of the submissions does not count toward it. Last evaluated 2026-02-01.

Conditions:
SLC25A32-related disorder. Also called: SLC25A32-related condition.

Allele frequency attached by ClinVar (database versions not stated): ESP Exome Variant Server 0.03137; 1000 Genomes Project 0.03395; 1000 Genomes Project 30x 0.03435.
gnomAD v4.1: 11,908 of 1,609,634 alleles (0.74%); highest among the groups gnomAD compares: African/African-American, 9.5%; 410 homozygotes.

Submissions (5):

Labcorp Genetics (formerly Invitae), Labcorp
Classification: Benign. Last evaluated: 2026-02-01. Review status: criteria provided, single submitter. Criteria: Invitae Variant Classification Sherloc (09022015). Collection method: clinical testing. Allele origin: germline.

Mayo Clinic Laboratories, Mayo Clinic
Classification: Benign. Last evaluated: 2021-10-03. Review status: criteria provided, single submitter. Criteria: ACMG Guidelines, 2015. Collection method: clinical testing. Allele origin: germline. Observed: 3 variant alleles.

GeneDx
Classification: Benign. Last evaluated: 2018-11-27. Review status: criteria provided, single submitter. Criteria: GeneDx Variant Classification Process June 2021. Collection method: clinical testing. Allele origin: germline. Affected: yes.

Breakthrough Genomics
Classification: Benign. Review status: criteria provided, single submitter. Criteria: ACMG Guidelines, 2015. Collection method: not provided. Allele origin: germline. Inheritance: Autosomal recessive inheritance. Affected: yes.

PreventionGenetics, part of Exact Sciences
Classification: Benign for SLC25A32-related condition. Last evaluated: 2019-05-08. Review status: no assertion criteria provided. Collection method: clinical testing. Allele origin: germline. Not counted in ClinVar's aggregate classification.
Comment: This variant is classified as benign based on ACMG/AMP sequence variant interpretation guidelines (Richards et al. 2015 PMID: 25741868, with internal and published modifications).